The following is an entry in ClinVar:

NM_004397.6(DDX6):c.760C>T (p.Gln254Ter)

Gene: DDX6 (DEAD-box helicase 6; minus strand). Cytogenetic location: 11q23.3.
Variant type: single nucleotide variant.
Coding change: c.760C>T on transcript NM_004397.6 (MANE Select); coding-DNA position 760, C replaced by T.
Protein change: p.Gln254Ter; replaces glutamine 254 with a stop codon.
Molecular consequence: nonsense.
Genome position (GRCh38, 1-based): chr11:118,760,026, G>A on the plus strand (C>T on the coding strand, the complement: DDX6 is on the minus strand). VCF-style: chr11-118760026-G-A. GRCh37 (hg19) VCF-style: chr11-118630735-G-A.
Other names: c.760C>T, p.Gln254Ter (NM_001257191.3, NM_001425145.1, NM_001425146.1 and 2 more transcripts); c.757C>T, p.Gln253Ter (NM_001425147.1, NM_001425148.1); c.613C>T, p.Gln205Ter (NM_001425151.1, NM_001425152.1, NM_001425153.1); c.436C>T, p.Gln146Ter (NM_001425154.1); short protein forms Q146*, Q205*, Q253*, Q254*.
Identifiers: ClinVar variation 3360992 (VCV003360992.1).

ClinVar aggregate classification (germline): Uncertain significance (1 of 4 stars; one submission).

Submission:

GeneDx
Classification: Uncertain significance. Last evaluated: 2023-07-10. Review status: criteria provided, single submitter. Criteria: GeneDx Variant Classification Process June 2021. Collection method: clinical testing. Allele origin: germline. Affected: yes.
Comment: Not observed at significant frequency in large population cohorts (gnomAD); Nonsense variant predicted to result in protein truncation or nonsense mediated decay in a gene or region of a gene for which loss of function is not a well-established mechanism of disease; Has not been previously published as pathogenic or benign to our knowledge